The following is an entry in ClinVar:

NM_004629.2(FANCG):c.1295C>G (p.Ser432Cys)

Gene: FANCG (FA complementation group G; minus strand). Cytogenetic location: 9p13.3.
Variant type: single nucleotide variant.
Coding change: c.1295C>G on transcript NM_004629.2 (MANE Select); coding-DNA position 1295, C replaced by G.
Protein change: p.Ser432Cys; replaces serine 432 with cysteine.
Molecular consequence: missense variant.
Genome position (GRCh38, 1-based): chr9:35,075,603, G>C on the plus strand (C>G on the coding strand, the complement: FANCG is on the minus strand). VCF-style: chr9-35075603-G-C. GRCh37 (hg19) VCF-style: chr9-35075600-G-C.
Other names: short protein forms S432C.
Identifiers: ClinVar variation 4870972 (VCV004870972.1).

ClinVar aggregate classification (germline): Uncertain significance (1 of 4 stars; one submission).

Conditions:
Inborn genetic diseases. Identifiers: MedGen C0950123, MeSH D030342.

Submission:

Ambry Genetics
Classification: Uncertain significance for Inborn genetic diseases. Last evaluated: 2026-03-15. Review status: criteria provided, single submitter. Criteria: Ambry Variant Classification Scheme 2023. Collection method: clinical testing. Allele origin: germline.
Comment: The p.S432C variant (also known as c.1295C>G), located in coding exon 10 of the FANCG gene, results from a C to G substitution at nucleotide position 1295. The serine at codon 432 is replaced by cysteine, an amino acid with dissimilar properties. This amino acid position is conserved. In addition, this alteration is predicted to be tolerated by in silico analysis. Based on the available evidence, the clinical significance of this variant remains unclear.